The following is an entry in ClinVar:

NM_182493.3(MYLK3):c.1766T>C (p.Met589Thr)

Gene: MYLK3 (myosin light chain kinase 3; minus strand). Cytogenetic location: 16q11.2.
Variant type: single nucleotide variant.
Coding change: c.1766T>C on transcript NM_182493.3 (MANE Select); coding-DNA position 1766, T replaced by C.
Protein change: p.Met589Thr; replaces methionine 589 with threonine.
Molecular consequence: missense variant.
Genome position (GRCh38, 1-based): chr16:46,729,030, A>G on the plus strand (T>C on the coding strand, the complement: MYLK3 is on the minus strand). VCF-style: chr16-46729030-A-G. GRCh37 (hg19) VCF-style: chr16-46762942-A-G.
Other names: c.743T>C, p.Met248Thr (NM_001308301.1); short protein forms M248T, M589T.
Identifiers: ClinVar variation 2874452 (VCV002874452.3), dbSNP rs369236002, ClinGen allele CA8037865.

ClinVar aggregate classification (germline): Uncertain significance (1 of 4 stars; one submission).

Allele frequency attached by ClinVar (database versions not stated): gnomAD 0.00002; ESP Exome Variant Server 0.00008; ExAC 0.00001; TOPMed 0.00002; gnomAD exomes below 0.00001.
gnomAD v4.1: 6 of 1,613,622 alleles (0.00037%); highest among the groups gnomAD compares: African/African-American, 0.004%; no homozygotes.

Submission:

Labcorp Genetics (formerly Invitae), Labcorp
Classification: Uncertain significance. Last evaluated: 2025-02-04. Review status: criteria provided, single submitter. Criteria: Invitae Variant Classification Sherloc (09022015). Collection method: clinical testing. Allele origin: germline.
Comment: This sequence change replaces methionine, which is neutral and non-polar, with threonine, which is neutral and polar, at codon 589 of the MYLK3 protein (p.Met589Thr). This variant is present in population databases (rs369236002, gnomAD 0.008%). This variant has not been reported in the literature in individuals affected with MYLK3-related conditions. ClinVar contains an entry for this variant (Variation ID: 2874452). An algorithm developed to predict the effect of missense changes on protein structure and function (PolyPhen-2) suggests that this variant is likely to be disruptive. In summary, the available evidence is currently insufficient to determine the role of this variant in disease. Therefore, it has been classified as a Variant of Uncertain Significance.